The following is an entry in ClinVar:

ClinVar aggregate classification (germline): Pathogenic/Likely pathogenic. Review status: criteria provided, multiple submitters, no conflicts (2 of 4 stars). 2 submissions from 2 submitters: Pathogenic (1); Likely pathogenic (1). Last evaluated 2025-07-29.

Conditions:
KCNV2-related disorder. Also called: KCNV2-related condition.

gnomAD v4.1: 5 of 1,614,200 alleles (0.00031%); highest among the groups gnomAD compares: Non-Finnish European, 0.00025%; no homozygotes.

Submissions (2):

Labcorp Genetics (formerly Invitae), Labcorp
Classification: Pathogenic. Last evaluated: 2025-07-29. Review status: criteria provided, single submitter. Criteria: Invitae Variant Classification Sherloc (09022015). Collection method: clinical testing. Allele origin: germline.
Comment: This sequence change creates a premature translational stop signal (p.Gln40*) in the KCNV2 gene. It is expected to result in an absent or disrupted protein product. Loss-of-function variants in KCNV2 are known to be pathogenic (PMID: 16909397, 18235024). This variant is present in population databases (rs759192531, gnomAD 0.004%). This variant has not been reported in the literature in individuals affected with KCNV2-related conditions. For these reasons, this variant has been classified as Pathogenic.

Blueprint Genetics
Classification: Likely pathogenic for KCNV2-related disorders. Last evaluated: 2024-06-05. Review status: criteria provided, single submitter. Criteria: ACMG Guidelines, 2015. Collection method: clinical testing. Allele origin: germline. Affected: yes. Observed: 2 variant alleles.

Literature cited by the submitters: PubMed 16909397 (cited by Labcorp Genetics (formerly Invitae), Labcorp); PubMed 18235024 (cited by Labcorp Genetics (formerly Invitae), Labcorp).

NM_133497.4(KCNV2):c.118C>T (p.Gln40Ter)

Gene: KCNV2 (potassium voltage-gated channel modifier subfamily V member 2; plus strand). Cytogenetic location: 9p24.2.
Variant type: single nucleotide variant.
Coding change: c.118C>T on transcript NM_133497.4 (MANE Select); coding-DNA position 118, C replaced by T.
Protein change: p.Gln40Ter; replaces glutamine 40 with a stop codon.
Molecular consequence: nonsense.
Genome position (GRCh38, 1-based): chr9:2,717,857, C>T. VCF-style: chr9-2717857-C-T. GRCh37 (hg19) VCF-style: chr9-2717857-C-T.
Other names: short protein forms Q40*.
Identifiers: ClinVar variation 4772525 (VCV004772525.2).
Genomic context (GRCh38, chr9:2,717,857, plus strand): 5'-GAGAATGAGGGCAGCCAACACCGCAGGAGCATTTGCTCCCTGGGTGCCCGTTCCGGCTCC[C>T]AGGCCAGCATCCACGGCTGGACAGAGGGCAACTATAACTACTACATCGAGGAAGACGAAG-3'